The following is an entry in ClinVar:

ClinVar aggregate classification (germline): Uncertain significance. Review status: criteria provided, multiple submitters, no conflicts (2 of 4 stars). 2 submissions from 2 submitters: Uncertain significance (2). Last evaluated 2025-01-06.

Conditions:
Epileptic encephalopathy. Identifiers: MedGen C0543888, HP:0200134.

Allele frequency attached by ClinVar (database versions not stated): ESP Exome Variant Server 0.00016; 1000 Genomes Project 30x 0.00016; TOPMed 0.00028; 1000 Genomes Project 0.00020.
gnomAD v4.1: 445 of 1,612,576 alleles (0.028%); highest among the groups gnomAD compares: Middle Eastern, 0.1%; 1 homozygote.

Submissions (2):

Labcorp Genetics (formerly Invitae), Labcorp
Classification: Uncertain significance for Epileptic encephalopathy. Last evaluated: 2025-01-06. Review status: criteria provided, single submitter. Criteria: Invitae Variant Classification Sherloc (09022015). Collection method: clinical testing. Allele origin: germline.
Comment: This sequence change replaces tyrosine, which is neutral and polar, with cysteine, which is neutral and slightly polar, at codon 2743 of the RYR3 protein (p.Tyr2743Cys). This variant is present in population databases (rs367645544, gnomAD 0.03%). This variant has not been reported in the literature in individuals affected with RYR3-related conditions. ClinVar contains an entry for this variant (Variation ID: 568429). Invitae Evidence Modeling of protein sequence and biophysical properties (such as structural, functional, and spatial information, amino acid conservation, physicochemical variation, residue mobility, and thermodynamic stability) has been performed for this missense variant. However, the output from this modeling did not meet the statistical confidence thresholds required to predict the impact of this variant on RYR3 protein function. In summary, the available evidence is currently insufficient to determine the role of this variant in disease. Therefore, it has been classified as a Variant of Uncertain Significance.

Breakthrough Genomics
Classification: Uncertain significance. Review status: criteria provided, single submitter. Criteria: ACMG Guidelines, 2015. Collection method: not provided. Allele origin: germline. Inheritance: Unknown mechanism. Affected: yes.

NM_001036.6(RYR3):c.8228A>G (p.Tyr2743Cys)

Gene: RYR3 (ryanodine receptor 3; plus strand). Cytogenetic location: 15q14.
Variant type: single nucleotide variant.
Coding change: c.8228A>G on transcript NM_001036.6 (MANE Select); coding-DNA position 8228, A replaced by G.
Protein change: p.Tyr2743Cys; replaces tyrosine 2743 with cysteine.
Molecular consequence: missense variant.
Genome position (GRCh38, 1-based): chr15:33,750,007, A>G. VCF-style: chr15-33750007-A-G. GRCh37 (hg19) VCF-style: chr15-34042208-A-G.
Other names: c.8228A>G, p.Tyr2743Cys (NM_001243996.4); short protein forms Y2743C.
Identifiers: ClinVar variation 568429 (VCV000568429.11), dbSNP rs367645544, ClinGen allele CA7460145.
Genomic context (GRCh38, chr15:33,750,007, plus strand): 5'-TTTTTGACTTGGCTCTTCTTGGTGGGACACAGGGAATGGTGGAGGTCGTGGCTGAGAACT[A>G]TCACAATATCTGGGCCAAGAAGAAGAAGCTGGAGCTGGAGAGCAAAGGTGAGTGAGGTTC-3'
Protein context (NP_001027.3, residues 2733-2753): QGMVEVVAEN[Tyr2743Cys]HNIWAKKKKL